The following is an entry in ClinVar:

NM_002734.5(PRKAR1A):c.478G>T (p.Ala160Ser)

Gene: PRKAR1A (protein kinase cAMP-dependent type I regulatory subunit alpha; plus strand). Cytogenetic location: 17q24.2.
Variant type: single nucleotide variant.
Coding change: c.478G>T on transcript NM_002734.5 (MANE Select); coding-DNA position 478, G replaced by T.
Protein change: p.Ala160Ser; replaces alanine 160 with serine.
Molecular consequence: missense variant.
Genome position (GRCh38, 1-based): chr17:68,524,053, G>T. VCF-style: chr17-68524053-G-T. GRCh37 (hg19) VCF-style: chr17-66520194-G-T.
Other names: c.478G>T (NM_002734.3); c.478G>T, p.Ala160Ser (NM_001276289.2, NM_001276290.1, NM_001278433.2 and 4 more transcripts); short protein forms A160S.
Identifiers: ClinVar variation 1466632 (VCV001466632.10), dbSNP rs765675434, ClinGen allele CA400752857.

ClinVar aggregate classification (germline): Uncertain significance. Review status: criteria provided, multiple submitters, no conflicts (2 of 4 stars). 2 submissions from 2 submitters: Uncertain significance (2). Last evaluated 2025-11-11.

Conditions:
Hereditary cancer-predisposing syndrome. Also called: Tumor predisposition; Hereditary Cancer Syndrome; Hereditary neoplastic syndrome; Neoplastic Syndromes, Hereditary. Identifiers: Orphanet 140162, MedGen C0027672, MeSH D009386, MONDO:0015356.
Carney complex, type 1 (CNC1). Also called: CARNEY MYXOMA-ENDOCRINE COMPLEX; CARNEY COMPLEX, TYPE I. Identifiers: Orphanet 1359, MedGen C2607929, MONDO:0008057, OMIM 160980.

gnomAD v4.1: 1 of 1,613,946 alleles (0.000062%); highest among the groups gnomAD compares: South Asian, 0.0011%; no homozygotes.

Submissions (2):

Ambry Genetics
Classification: Uncertain significance for Hereditary cancer-predisposing syndrome. Last evaluated: 2025-11-11. Review status: criteria provided, single submitter. Criteria: Ambry Variant Classification Scheme 2023. Collection method: clinical testing. Allele origin: germline.
Comment: The p.A160S variant (also known as c.478G>T), located in coding exon 4 of the PRKAR1A gene, results from a G to T substitution at nucleotide position 478. The alanine at codon 160 is replaced by serine, an amino acid with similar properties. This amino acid position is conserved. In addition, the in silico prediction for this alteration is inconclusive. Since supporting evidence is limited at this time, the clinical significance of this alteration remains unclear.

Labcorp Genetics (formerly Invitae), Labcorp
Classification: Uncertain significance for Carney complex, type 1. Last evaluated: 2025-10-19. Review status: criteria provided, single submitter. Criteria: Invitae Variant Classification Sherloc (09022015). Collection method: clinical testing. Allele origin: germline.
Comment: This sequence change replaces alanine, which is neutral and non-polar, with serine, which is neutral and polar, at codon 160 of the PRKAR1A protein (p.Ala160Ser). This variant is present in population databases (no rsID available, gnomAD 0.003%). This variant has not been reported in the literature in individuals affected with PRKAR1A-related conditions. ClinVar contains an entry for this variant (Variation ID: 1466632). Invitae Evidence Modeling of protein sequence and biophysical properties (such as structural, functional, and spatial information, amino acid conservation, physicochemical variation, residue mobility, and thermodynamic stability) indicates that this missense variant is not expected to disrupt PRKAR1A protein function with a negative predictive value of 95%. In summary, the available evidence is currently insufficient to determine the role of this variant in disease. Therefore, it has been classified as a Variant of Uncertain Significance.